The following is an entry in ClinVar:

NM_020778.5(ALPK3):c.37G>A (p.Ala13Thr)

Gene: ALPK3 (alpha kinase 3; plus strand). Cytogenetic location: 15q25.3.
Variant type: single nucleotide variant.
Coding change: c.37G>A on transcript NM_020778.5 (MANE Select); coding-DNA position 37, G replaced by A.
Protein change: p.Ala13Thr; replaces alanine 13 with threonine.
Molecular consequence: missense variant.
Genome position (GRCh38, 1-based): chr15:84,817,489, G>A. VCF-style: chr15-84817489-G-A. GRCh37 (hg19) VCF-style: chr15-85360720-G-A.
Other names: short protein forms A13T.
Identifiers: ClinVar variation 1357900 (VCV001357900.8), dbSNP rs936606117, ClinGen allele CA273651133.

ClinVar aggregate classification (germline): Uncertain significance (1 of 4 stars; one submission).

gnomAD v4.1: 6 of 1,437,214 alleles (0.00042%); highest among the groups gnomAD compares: East Asian, 0.0061%; no homozygotes.

Submission:

Labcorp Genetics (formerly Invitae), Labcorp
Classification: Uncertain significance. Last evaluated: 2025-11-21. Review status: criteria provided, single submitter. Criteria: Invitae Variant Classification Sherloc (09022015). Collection method: clinical testing. Allele origin: germline.
Comment: This sequence change replaces alanine, which is neutral and non-polar, with threonine, which is neutral and polar, at codon 215 of the ALPK3 protein (p.Ala215Thr). The frequency data for this variant in the population databases is considered unreliable, as metrics indicate poor data quality at this position in the gnomAD database. This variant has not been reported in the literature in individuals affected with ALPK3-related conditions. ClinVar contains an entry for this variant (Variation ID: 1357900). An algorithm developed to predict the effect of missense changes on protein structure and function (PolyPhen-2) suggests that this variant is likely to be tolerated. In summary, the available evidence is currently insufficient to determine the role of this variant in disease. Therefore, it has been classified as a Variant of Uncertain Significance.